The following is an entry in ClinVar:

NM_025132.4(WDR19):c.2972del (p.Asn991fs)

Gene: WDR19 (WD repeat domain 19; plus strand). Cytogenetic location: 4p14.
Variant type: Deletion.
Coding change: c.2972del on transcript NM_025132.4 (MANE Select); coding-DNA position 2972, one base deleted (A; older notation c.2972delA).
Protein change: p.Asn991fs; shifts the reading frame from asparagine 991.
Molecular consequence: frameshift variant.
Genome position (GRCh38, 1-based): chr4:39,254,001, A deleted; the last of 2 consecutive A bases (chr4:39,254,000-39,254,001); deleting either gives the same sequence. VCF-style (leftmost placement, unchanged base first): chr4-39253999-CA-C. GRCh37 (hg19) VCF-style: chr4-39255619-CA-C.
Other names: c.2492del, p.Asn831fs (NM_001317924.2); short protein forms N831fs, N991fs.
Identifiers: ClinVar variation 2087751 (VCV002087751.4), dbSNP rs2475320731, ClinGen allele CA2580070969.

ClinVar aggregate classification (germline): Pathogenic (1 of 4 stars; one submission).

Conditions:
Senior-Loken syndrome 8 (SLSN8). Identifiers: Orphanet 3156, MedGen C4225376, MONDO:0014579, OMIM 616307.
Asphyxiating thoracic dystrophy 5 (SRTD5). Also called: SHORT-RIB THORACIC DYSPLASIA 5 WITH OR WITHOUT POLYDACTYLY; SHORT-RIB THORACIC DYSPLASIA 5 WITHOUT POLYDACTYLY. Identifiers: Orphanet 474, MedGen C3280598, MONDO:0013717, OMIM 614376.

Submission:

Labcorp Genetics (formerly Invitae), Labcorp
Classification: Pathogenic for Senior-Loken syndrome 8; Asphyxiating thoracic dystrophy 5. Last evaluated: 2022-01-18. Review status: criteria provided, single submitter. Criteria: Invitae Variant Classification Sherloc (09022015). Collection method: clinical testing. Allele origin: germline.
Comment: For these reasons, this variant has been classified as Pathogenic. This variant has not been reported in the literature in individuals affected with WDR19-related conditions. This variant is not present in population databases (gnomAD no frequency). This sequence change creates a premature translational stop signal (p.Asn991Thrfs*54) in the WDR19 gene. It is expected to result in an absent or disrupted protein product. Loss-of-function variants in WDR19 are known to be pathogenic (PMID: 22019273, 23559409, 23683095, 26275793, 27241786, 29068549).

Literature cited by the submitters: PubMed 22019273; PubMed 23559409; PubMed 23683095; PubMed 26275793; PubMed 27241786; PubMed 29068549.